The following is an entry in ClinVar:

ClinVar aggregate classification (germline): Conflicting classifications of pathogenicity. Review status: criteria provided, conflicting classifications (1 of 4 stars). 5 submissions from 4 submitters: Uncertain significance (3); Likely benign (2). Last evaluated 2026-04-29.

Conditions:
SETX-related disorder. Also called: SETX-related condition; SETX-related disorders. Identifiers: MedGen CN239403.
Inborn genetic diseases. Identifiers: MedGen C0950123, MeSH D030342.
Spinocerebellar ataxia, autosomal recessive, with axonal neuropathy 2 (SCAN2). Also called: Ataxia with Oculomotor Apraxia Type 2; ATAXIA-OCULOMOTOR APRAXIA 2; Ataxia-ocular apraxia-2; Ataxia with Oculomotor Apraxia. Identifiers: Orphanet 64753, MedGen C1853761, MONDO:0018996, OMIM 606002.
Amyotrophic lateral sclerosis type 4 (ALS4). Also called: AMYOTROPHIC LATERAL SCLEROSIS 4, JUVENILE; NEURONOPATHY, DISTAL HEREDITARY MOTOR, WITH PYRAMIDAL FEATURES. Identifiers: Orphanet 357043, MedGen C1865409, MONDO:0011223, OMIM 602433.

Allele frequency attached by ClinVar (database versions not stated): gnomAD exomes 0.00001 and 0.00005; gnomAD 0.00017 and 0.00019; TOPMed 0.00017; ESP Exome Variant Server 0.00038; 1000 Genomes Project 0.00060; 1000 Genomes Project 30x 0.00062.
gnomAD v4.1: 45 of 1,609,424 alleles (0.0028%); highest among the groups gnomAD compares: African/African-American, 0.057%; no homozygotes.

Submissions (5):

PreventionGenetics, part of Exact Sciences
Classification: Uncertain significance for SETX-related condition. Last evaluated: 2026-04-29. Review status: criteria provided, single submitter. Criteria: ACMG Guidelines, 2015. Collection method: clinical testing. Allele origin: germline.
Comment: The SETX c.7787C>T variant is predicted to result in the amino acid substitution p.Ala2596Val. To our knowledge, this variant has not been reported in the literature. This variant is reported in 0.073% of alleles in individuals of African descent in gnomAD. Although we suspect that this variant may be benign, at this time, the clinical significance of this variant is uncertain due to the absence of conclusive functional and genetic evidence.

Ambry Genetics
Classification: Uncertain significance for Inborn genetic diseases. Last evaluated: 2025-08-03. Review status: criteria provided, single submitter. Criteria: Ambry Variant Classification Scheme 2023. Collection method: clinical testing. Allele origin: germline.

Labcorp Genetics (formerly Invitae), Labcorp
Classification: Likely benign for Amyotrophic lateral sclerosis type 4; Spinocerebellar ataxia, autosomal recessive, with axonal neuropathy 2. Last evaluated: 2023-02-24. Review status: criteria provided, single submitter. Criteria: Invitae Variant Classification Sherloc (09022015). Collection method: clinical testing. Allele origin: germline.

Illumina Laboratory Services, Illumina
Classification: Likely benign for Amyotrophic lateral sclerosis type 4. Last evaluated: 2018-01-13. Review status: criteria provided, single submitter. Criteria: ICSL Variant Classification Criteria 13 December 2019. Collection method: clinical testing. Allele origin: germline.
Comment: This variant was observed in the ICSL laboratory as part of a predisposition screen in an ostensibly healthy population. It had not been previously curated by ICSL or reported in the Human Gene Mutation Database (HGMD: prior to June 1st, 2018), and was therefore a candidate for classification through an automated scoring system. Utilizing variant allele frequency, disease prevalence and penetrance estimates, and inheritance mode, an automated score was calculated to assess if this variant is too frequent to cause the disease. Based on the score and internal cut-off values, a variant classified as likely benign is not then subjected to further curation. The score for this variant resulted in a classification of likely benign for this disease.

Illumina Laboratory Services, Illumina
Classification: Uncertain significance for Spinocerebellar ataxia, autosomal recessive, with axonal neuropathy 2. Last evaluated: 2018-01-13. Review status: criteria provided, single submitter. Criteria: ICSL Variant Classification Criteria 13 December 2019. Collection method: clinical testing. Allele origin: germline.

NM_015046.7(SETX):c.7787C>T (p.Ala2596Val)

Gene: SETX (senataxin; minus strand). Cytogenetic location: 9q34.13.
Variant type: single nucleotide variant.
Coding change: c.7787C>T on transcript NM_015046.7 (MANE Select); coding-DNA position 7787, C replaced by T.
Protein change: p.Ala2596Val; replaces alanine 2596 with valine.
Molecular consequence: missense variant.
Genome position (GRCh38, 1-based): chr9:132,264,486, G>A on the plus strand (C>T on the coding strand, the complement: SETX is on the minus strand). VCF-style: chr9-132264486-G-A. GRCh37 (hg19) VCF-style: chr9-135139873-G-A.
Other names: c.7787C>T, p.Ala2596Val (NM_001351527.2); c.7874C>T, p.Ala2625Val (NM_001351528.2); short protein forms A2596V, A2625V.
Identifiers: ClinVar variation 365340 (VCV000365340.13), dbSNP rs200507089, ClinGen allele CA5296324.